The following is an entry in ClinVar:

NM_001077653.2(TBX20):c.201T>G (p.Phe67Leu)

Gene: TBX20 (T-box transcription factor 20; minus strand). Cytogenetic location: 7p14.2.
Variant type: single nucleotide variant.
Coding change: c.201T>G on transcript NM_001077653.2 (MANE Select); coding-DNA position 201, T replaced by G.
Protein change: p.Phe67Leu; replaces phenylalanine 67 with leucine.
Molecular consequence: missense variant.
Genome position (GRCh38, 1-based): chr7:35,250,130, A>C on the plus strand (T>G on the coding strand, the complement: TBX20 is on the minus strand). VCF-style: chr7-35250130-A-C. GRCh37 (hg19) VCF-style: chr7-35289742-A-C.
Other names: c.201T>G, p.Phe67Leu (NM_001166220.1); short protein forms F67L.
Identifiers: ClinVar variation 2565376 (VCV002565376.2), dbSNP rs2546997472, ClinGen allele CA367265272.
Genomic context (GRCh38, chr7:35,250,130, plus strand): 5'-GGGGATCAGTGGCTCAGTGCACAGAGAGGAGGAGGACGGGCTGCTGCCACTGCCTCCACC[A>C]AACTCCCCATGAGCATCCAGGCTGGTCAGCTCACCCAGGGGCTGGGCACAGGACGACTTC-3'
Protein context (NP_001071121.1, residues 57-77): ELTSLDAHGE[Phe67Leu]GGGSGSSPSS

ClinVar aggregate classification (germline): Uncertain significance (1 of 4 stars; one submission).

Conditions:
Cardiovascular phenotype. Identifiers: MedGen CN230736.

gnomAD v4.1: 6 of 1,613,896 alleles (0.00037%); highest among the groups gnomAD compares: Non-Finnish European, 0.00051%; no homozygotes.

Submission:

Ambry Genetics
Classification: Uncertain significance for Cardiovascular phenotype. Last evaluated: 2023-03-20. Review status: criteria provided, single submitter. Criteria: Ambry Variant Classification Scheme 2023. Collection method: clinical testing. Allele origin: germline.
Comment: The p.F67L variant (also known as c.201T>G), located in coding exon 2 of the TBX20 gene, results from a T to G substitution at nucleotide position 201. The phenylalanine at codon 67 is replaced by leucine, an amino acid with highly similar properties. This amino acid position is conserved. In addition, this alteration is predicted to be tolerated by in silico analysis. Since supporting evidence is limited at this time, the clinical significance of this alteration remains unclear.